The following is an entry in ClinVar:

NM_002430.3(MN1):c.2653C>T (p.Pro885Ser)

Gene: MN1 (MN1 proto-oncogene, transcriptional regulator; minus strand). Cytogenetic location: 22q12.1.
Variant type: single nucleotide variant.
Coding change: c.2653C>T on transcript NM_002430.3 (MANE Select); coding-DNA position 2653, C replaced by T.
Protein change: p.Pro885Ser; replaces proline 885 with serine.
Molecular consequence: missense variant.
Genome position (GRCh38, 1-based): chr22:27,797,891, G>A on the plus strand (C>T on the coding strand, the complement: MN1 is on the minus strand). VCF-style: chr22-27797891-G-A. GRCh37 (hg19) VCF-style: chr22-28193879-G-A.
Other names: short protein forms P885S.
Identifiers: ClinVar variation 4983241 (VCV004983241.1).

ClinVar aggregate classification (germline): Uncertain significance (1 of 4 stars; one submission).

Conditions:
MN1-related disorder. Also called: MN1-related condition.

gnomAD v4.1: 2 of 1,597,882 alleles (0.00013%); highest among the groups gnomAD compares: Non-Finnish European, 0.00017%; no homozygotes.

Submission:

PreventionGenetics, part of Exact Sciences
Classification: Uncertain significance for MN1-related condition. Last evaluated: 2026-08-28. Review status: criteria provided, single submitter. Criteria: ACMG Guidelines, 2015. Collection method: clinical testing. Allele origin: germline.
Comment: The MN1 c.2653C>T variant is predicted to result in the amino acid substitution p.Pro885Ser. To our knowledge, this variant has not been reported in the literature or in a large population database (gnomAD), indicating this variant is rare. At this time, the clinical significance of this variant is uncertain due to the absence of conclusive functional and genetic evidence.